The following is an entry in ClinVar:

NM_032776.3(JMJD1C):c.525A>T (p.Glu175Asp)

Gene: JMJD1C (jumonji domain containing 1C; minus strand). Cytogenetic location: 10q21.3.
Variant type: single nucleotide variant.
Coding change: c.525A>T on transcript NM_032776.3 (MANE Select); coding-DNA position 525, A replaced by T.
Protein change: p.Glu175Asp; replaces glutamic acid 175 with aspartic acid.
Molecular consequence: missense variant. On other transcripts: 5 prime UTR variant (3), intron variant (2).
Genome position (GRCh38, 1-based): chr10:63,219,906, T>A on the plus strand (A>T on the coding strand, the complement: JMJD1C is on the minus strand). VCF-style: chr10-63219906-T-A. GRCh37 (hg19) VCF-style: chr10-64979666-T-A.
Other names: c.-22A>T (NM_001282948.2, NM_001318154.2); c.-344A>T (NM_001318153.2); c.411A>T, p.Glu137Asp (NM_001322252.2); c.-104-2575A>T (NM_001322258.2, NM_001322254.2); short protein forms E175D, E137D.
Identifiers: ClinVar variation 1478143 (VCV001478143.6), dbSNP rs895843366, ClinGen allele CA208379752.

ClinVar aggregate classification (germline): Uncertain significance (1 of 4 stars; one submission).

Conditions:
Early Myoclonic Encephalopathy. Identifiers: MedGen C0270855.

Submission:

Labcorp Genetics (formerly Invitae), Labcorp
Classification: Uncertain significance for Early Myoclonic Encephalopathy. Last evaluated: 2023-07-07. Review status: criteria provided, single submitter. Criteria: Invitae Variant Classification Sherloc (09022015). Collection method: clinical testing. Allele origin: germline.
Comment: In summary, the available evidence is currently insufficient to determine the role of this variant in disease. Therefore, it has been classified as a Variant of Uncertain Significance. An algorithm developed to predict the effect of missense changes on protein structure and function (PolyPhen-2) suggests that this variant is likely to be tolerated. ClinVar contains an entry for this variant (Variation ID: 1478143). This variant has not been reported in the literature in individuals affected with JMJD1C-related conditions. This variant is not present in population databases (gnomAD no frequency). This sequence change replaces glutamic acid, which is acidic and polar, with aspartic acid, which is acidic and polar, at codon 175 of the JMJD1C protein (p.Glu175Asp).